The following is an entry in ClinVar:

NM_053025.4(MYLK):c.3448+13G>A

Gene: MYLK (myosin light chain kinase; minus strand). Cytogenetic location: 3q21.1.
Variant type: single nucleotide variant.
Coding change: c.3448+13G>A on transcript NM_053025.4 (MANE Select); 13 bases into the intron after coding-DNA position 3448, G replaced by A.
Molecular consequence: intron variant.
Genome position (GRCh38, 1-based): chr3:123,700,007, C>T on the plus strand (G>A on the coding strand, the complement: MYLK is on the minus strand). VCF-style: chr3-123700007-C-T. GRCh37 (hg19) VCF-style: chr3-123418854-C-T.
Other names: c.2920+13G>A (NM_001321309.2); c.3241+13G>A (NM_053028.4, NM_053026.4); c.3448+13G>A (NM_053027.4).
Identifiers: ClinVar variation 671956 (VCV000671956.1), dbSNP rs1576619400, ClinGen allele CA915941537.

ClinVar aggregate classification (germline): Likely benign (1 of 4 stars; one submission).

Allele frequency attached by ClinVar (database versions not stated): gnomAD exomes below 0.00001; TOPMed below 0.00001.
gnomAD v4.1: 1 of 1,614,160 alleles (0.000062%); highest among the groups gnomAD compares: African/African-American, 0.0013%; no homozygotes.

Submission:

GeneDx
Classification: Likely benign. Last evaluated: 2018-06-15. Review status: criteria provided, single submitter. Criteria: GeneDx Variant Classification (06012015). Collection method: clinical testing. Allele origin: germline. Affected: yes.
Comment: This variant is considered likely benign or benign based on one or more of the following criteria: it is a conservative change, it occurs at a poorly conserved position in the protein, it is predicted to be benign by multiple in silico algorithms, and/or has population frequency not consistent with disease.